The following is an entry in ClinVar:

NM_004990.4(MARS1):c.2146A>G (p.Asn716Asp)

Gene: MARS1 (methionyl-tRNA synthetase 1; plus strand). Cytogenetic location: 12q13.3.
Variant type: single nucleotide variant.
Coding change: c.2146A>G on transcript NM_004990.4 (MANE Select); coding-DNA position 2146, A replaced by G.
Protein change: p.Asn716Asp; replaces asparagine 716 with aspartic acid.
Molecular consequence: missense variant.
Genome position (GRCh38, 1-based): chr12:57,515,000, A>G. VCF-style: chr12-57515000-A-G. GRCh37 (hg19) VCF-style: chr12-57908783-A-G.
Other names: p.Asn716Asp; c.2146A>G (NM_004990.3); short protein forms N716D.
Identifiers: ClinVar variation 1681774 (VCV001681774.6), dbSNP rs1386767973, ClinGen allele CA385465360.

ClinVar aggregate classification (germline): Uncertain significance. Review status: criteria provided, multiple submitters, no conflicts (2 of 4 stars). 2 submissions from 2 submitters: Uncertain significance (2). Last evaluated 2024-10-23.

Conditions:
Severe early-onset pulmonary alveolar proteinosis due to MARS deficiency. Also called: PULMONARY ALVEOLAR PROTEINOSIS, REUNION ISLAND; Interstitial lung and liver disease. Identifiers: Orphanet 440427, MedGen C4225400, MONDO:0014206, OMIM 615486.
Charcot-Marie-Tooth disease axonal type 2U. Also called: CHARCOT-MARIE-TOOTH NEUROPATHY, TYPE 2U; CHARCOT-MARIE-TOOTH DISEASE, AXONAL, AUTOSOMAL DOMINANT, TYPE 2U. Identifiers: Orphanet 397735, MedGen C4084821, MONDO:0014566, OMIM 616280.

Allele frequency attached by ClinVar (database versions not stated): gnomAD exomes below 0.00001; gnomAD 0.00001; TOPMed 0.00001.
gnomAD v4.1: 2 of 1,614,054 alleles (0.00012%); highest among the groups gnomAD compares: African/African-American, 0.0013%; no homozygotes.

Submissions (2):

Labcorp Genetics (formerly Invitae), Labcorp
Classification: Uncertain significance for Charcot-Marie-Tooth disease axonal type 2U; Severe early-onset pulmonary alveolar proteinosis due to MARS deficiency. Last evaluated: 2024-10-23. Review status: criteria provided, single submitter. Criteria: Invitae Variant Classification Sherloc (09022015). Collection method: clinical testing. Allele origin: germline.
Comment: This sequence change replaces asparagine, which is neutral and polar, with aspartic acid, which is acidic and polar, at codon 716 of the MARS protein (p.Asn716Asp). This variant is present in population databases (no rsID available, gnomAD 0.01%). This variant has not been reported in the literature in individuals affected with MARS-related conditions. ClinVar contains an entry for this variant (Variation ID: 1681774). An algorithm developed to predict the effect of missense changes on protein structure and function (PolyPhen-2) suggests that this variant is likely to be disruptive. In summary, the available evidence is currently insufficient to determine the role of this variant in disease. Therefore, it has been classified as a Variant of Uncertain Significance.

Mayo Clinic Laboratories, Mayo Clinic
Classification: Uncertain significance. Last evaluated: 2021-04-27. Review status: criteria provided, single submitter. Criteria: ACMG Guidelines, 2015. Collection method: clinical testing. Allele origin: germline.